The following is an entry in ClinVar:

ClinVar aggregate classification (germline): Benign (1 of 4 stars; one submission).

Allele frequency attached by ClinVar (database versions not stated): gnomAD exomes below 0.00001; ExAC 0.00001.
gnomAD v4.1: 1 of 1,613,904 alleles (0.000062%); highest among the groups gnomAD compares: Admixed American, 0.0017%; no homozygotes.

Submission:

GeneDx
Classification: Benign. Last evaluated: 2014-04-02. Review status: criteria provided, single submitter. Criteria: GeneDx Variant Classification (06012015). Collection method: clinical testing. Allele origin: germline. Affected: yes.
Comment: This variant is considered likely benign or benign based on one or more of the following criteria: it is a conservative change, it occurs at a poorly conserved position in the protein, it is predicted to be benign by multiple in silico algorithms, and/or has population frequency not consistent with disease.

NM_001165963.4(SCN1A):c.5356C>T (p.Leu1786=)

Genes: SCN1A (sodium voltage-gated channel alpha subunit 1; minus strand), LOC102724058 (uncharacterized LOC102724058; plus strand). Cytogenetic location: 2q24.3.
Variant type: single nucleotide variant.
Coding change: c.5356C>T on transcript NM_001165963.4 (MANE Select); coding-DNA position 5356, C replaced by T.
Protein change: p.Leu1786=; no amino-acid change (leucine 1786 retained).
Molecular consequence: synonymous variant. On other transcripts: non-coding transcript variant (1).
Genome position (GRCh38, 1-based): chr2:165,991,919, G>A on the plus strand (C>T on the coding strand, the complement: SCN1A is on the minus strand). VCF-style: chr2-165991919-G-A. GRCh37 (hg19) VCF-style: chr2-166848429-G-A.
Other names: p.L1786L:CTG>TTG; c.5272C>T, p.Leu1758= (NM_001165964.3, NM_001353957.2, NM_001353958.2); c.5356C>T, p.Leu1786= (NM_001202435.3, NM_001353948.2); c.5323C>T, p.Leu1775= (NM_001353949.2, NM_001353950.2, NM_001353951.2 and 2 more transcripts); c.5320C>T, p.Leu1774= (NM_001353954.2, NM_001353955.2); c.5269C>T, p.Leu1757= (NM_001353960.2); c.2914C>T, p.Leu972= (NM_001353961.2).
Identifiers: ClinVar variation 138987 (VCV000138987.1), dbSNP rs587781148, ClinGen allele CA293196.